The following is an entry in ClinVar:

ClinVar aggregate classification (germline): Benign (1 of 4 stars; one submission).

Conditions:
Familial colorectal cancer type X. Identifiers: Orphanet 440437, MedGen C3896578, MONDO:0018604.

Submission:

Myriad Genetics, Inc.
Classification: Benign for Familial colorectal cancer type X. Last evaluated: 2026-08-04. Review status: criteria provided, single submitter. Criteria: Myriad Autosomal Dominant, Autosomal Recessive and X-Linked Classification Criteria (2023). Collection method: clinical testing. Allele origin: unknown.
Comment: This variant is considered benign. This variant is a silent/synonymous amino acid change and it is not expected to impact splicing.

NM_001023.4(RPS20):c.315T>C (p.Ser105=)

Gene: RPS20 (ribosomal protein S20; minus strand). Cytogenetic location: 8q12.1.
Variant type: single nucleotide variant.
Coding change: c.315T>C on transcript NM_001023.4 (MANE Select); coding-DNA position 315, T replaced by C.
Protein change: p.Ser105=; no amino-acid change (serine 105 retained).
Molecular consequence: synonymous variant.
Genome position (GRCh38, 1-based): chr8:56,073,135, A>G on the plus strand (T>C on the coding strand, the complement: RPS20 is on the minus strand). VCF-style: chr8-56073135-A-G. GRCh37 (hg19) VCF-style: chr8-56985694-A-G.
Other names: c.315T>C, p.Ser105= (NM_001146227.3).
Identifiers: ClinVar variation 5042437 (VCV005042437.1).